The following is an entry in ClinVar:

NM_001036.6(RYR3):c.1777C>T (p.Arg593Trp)

Gene: RYR3 (ryanodine receptor 3; plus strand). Cytogenetic location: 15q14.
Variant type: single nucleotide variant.
Coding change: c.1777C>T on transcript NM_001036.6 (MANE Select); coding-DNA position 1777, C replaced by T.
Protein change: p.Arg593Trp; replaces arginine 593 with tryptophan.
Molecular consequence: missense variant.
Genome position (GRCh38, 1-based): chr15:33,586,105, C>T. VCF-style: chr15-33586105-C-T. GRCh37 (hg19) VCF-style: chr15-33878306-C-T.
Other names: c.1777C>T, p.Arg593Trp (NM_001243996.4); short protein forms R593W.
Identifiers: ClinVar variation 531009 (VCV000531009.10), dbSNP rs749732234, ClinGen allele CA7458231.

ClinVar aggregate classification (germline): Uncertain significance (1 of 4 stars; one submission).

Conditions:
Epileptic encephalopathy. Identifiers: MedGen C0543888, HP:0200134.

Allele frequency attached by ClinVar (database versions not stated): gnomAD 0.00001; ExAC 0.00002; TOPMed below 0.00001; gnomAD exomes 0.00001.
gnomAD v4.1: 20 of 1,601,324 alleles (0.0012%); highest among the groups gnomAD compares: Non-Finnish European, 0.0012%; no homozygotes.

Submission:

Labcorp Genetics (formerly Invitae), Labcorp
Classification: Uncertain significance for Epileptic encephalopathy. Last evaluated: 2022-07-19. Review status: criteria provided, single submitter. Criteria: Invitae Variant Classification Sherloc (09022015). Collection method: clinical testing. Allele origin: germline.
Comment: In summary, the available evidence is currently insufficient to determine the role of this variant in disease. Therefore, it has been classified as a Variant of Uncertain Significance. Algorithms developed to predict the effect of missense changes on protein structure and function are either unavailable or do not agree on the potential impact of this missense change (SIFT: "Deleterious"; PolyPhen-2: "Probably Damaging"; Align-GVGD: "Class C0"). ClinVar contains an entry for this variant (Variation ID: 531009). This variant has not been reported in the literature in individuals affected with RYR3-related conditions. This variant is present in population databases (rs749732234, gnomAD 0.002%). This sequence change replaces arginine, which is basic and polar, with tryptophan, which is neutral and slightly polar, at codon 593 of the RYR3 protein (p.Arg593Trp).